The following is an entry in ClinVar:

NM_002474.3(MYH11):c.4365+9C>T

Genes: MYH11 (myosin heavy chain 11; minus strand), NDE1 (nudE neurodevelopment protein 1; plus strand). Cytogenetic location: 16p13.11.
Variant type: single nucleotide variant.
Coding change: c.4365+9C>T on transcript NM_002474.3 (MANE Select); 9 bases into the intron after coding-DNA position 4365, C replaced by T.
Molecular consequence: intron variant.
Genome position (GRCh38, 1-based): chr16:15,724,152, G>A on the plus strand (C>T on the coding strand, the complement: MYH11 is on the minus strand). VCF-style: chr16-15724152-G-A. GRCh37 (hg19) VCF-style: chr16-15818009-G-A.
Other names: c.948-39G>A (NM_001143979.2, NM_017668.3); c.4365+9C>T (NM_022844.3); c.4386+9C>T (NM_001040114.2, NM_001040113.2).
Identifiers: ClinVar variation 534148 (VCV000534148.20), dbSNP rs571613839, ClinGen allele CA278605620.
Genomic context (GRCh38, chr16:15,724,152, plus strand): 5'-ATACTCTGCAGAGCTGATTCCCCAACCCAGCGTCCATGGCCAGAGTGGGGGACACCCCAC[G>A]CCCTCTACCTGATCAAATTTCCTCTGCTTCTTTTCCAGGTTGGACACGAGTTGCCGCTGG-3'

ClinVar aggregate classification (germline): Conflicting classifications of pathogenicity. Review status: criteria provided, conflicting classifications (1 of 4 stars). 6 submissions from 6 submitters: Uncertain significance (1); Likely benign (2). 3 of the submissions do not count toward it. Last evaluated 2026-02-03.

Conditions:
Aortic aneurysm, familial thoracic 4 (AAT4). Also called: AORTIC ANEURYSM/AORTIC DISSECTION AND PATENT DUCTUS ARTERIOSUS. Identifiers: MedGen C1851504, MONDO:0007568, OMIM 132900.

Allele frequency attached by ClinVar (database versions not stated): gnomAD 0.00001; gnomAD exomes 0.00002 and 0.00003; TOPMed 0.00002.
gnomAD v4.1: 33 of 1,612,584 alleles (0.002%); highest among the groups gnomAD compares: East Asian, 0.011%; no homozygotes.

Submissions (6):

Labcorp Genetics (formerly Invitae), Labcorp
Classification: Likely benign for Aortic aneurysm, familial thoracic 4. Last evaluated: 2026-02-03. Review status: criteria provided, single submitter. Criteria: Invitae Variant Classification Sherloc (09022015). Collection method: clinical testing. Allele origin: germline.

Centre of Medical Genetics, University Hospital Muenster
Classification: Uncertain significance. Last evaluated: 2021-12-13. Review status: criteria provided, single submitter. Criteria: ACMG Guidelines, 2015. Collection method: clinical testing. Allele origin: unknown. Affected: yes. Observed: 1 variant allele, 1 heterozygote.
Comment: ACMG categories: PM2,PP3

ARUP Laboratories, Molecular Genetics and Genomics, ARUP Laboratories
Classification: Likely benign. Last evaluated: 2019-10-11. Review status: criteria provided, single submitter. Criteria: ARUP Molecular Germline Variant Investigation Process. Collection method: clinical testing. Allele origin: germline.

Clinical Genetics DNA and cytogenetics Diagnostics Lab, Erasmus MC, Erasmus Medical Center
Classification: Likely benign. Review status: no assertion criteria provided. Collection method: clinical testing. Allele origin: germline. Affected: yes. Study: VKGL Data-share Consensus. Not counted in ClinVar's aggregate classification.

Genome Diagnostics Laboratory, Amsterdam University Medical Center
Classification: Likely benign. Review status: no assertion criteria provided. Collection method: clinical testing. Allele origin: germline. Affected: yes. Study: VKGL Data-share Consensus. Not counted in ClinVar's aggregate classification.

Genome Diagnostics Laboratory, University Medical Center Utrecht
Classification: Likely benign. Review status: no assertion criteria provided. Collection method: clinical testing. Allele origin: germline. Affected: yes. Study: VKGL Data-share Consensus. Not counted in ClinVar's aggregate classification.